The following is an entry in ClinVar:

ClinVar aggregate classification (germline): Uncertain significance (1 of 4 stars; one submission).

gnomAD v4.1: 1 of 1,614,028 alleles (0.000062%); highest among the groups gnomAD compares: Non-Finnish European, 0.000085%; no homozygotes.

Submission:

GeneDx
Classification: Uncertain significance. Last evaluated: 2023-11-17. Review status: criteria provided, single submitter. Criteria: GeneDx Variant Classification Process June 2021. Collection method: clinical testing. Allele origin: germline. Affected: yes.
Comment: Not observed at significant frequency in large population cohorts (gnomAD); In silico analysis supports that this missense variant does not alter protein structure/function; Has not been previously published as pathogenic or benign to our knowledge

NM_001080517.3(SETD5):c.1651G>C (p.Glu551Gln)

Gene: SETD5 (SET domain containing 5; plus strand). Cytogenetic location: 3p25.3.
Variant type: single nucleotide variant.
Coding change: c.1651G>C on transcript NM_001080517.3 (MANE Select); coding-DNA position 1651, G replaced by C.
Protein change: p.Glu551Gln; replaces glutamic acid 551 with glutamine.
Molecular consequence: missense variant.
Genome position (GRCh38, 1-based): chr3:9,447,176, G>C. VCF-style: chr3-9447176-G-C. GRCh37 (hg19) VCF-style: chr3-9488860-G-C.
Other names: c.1357G>C, p.Glu453Gln (NM_001292043.2, NM_001349451.2); short protein forms E453Q, E551Q.
Identifiers: ClinVar variation 3364469 (VCV003364469.1).